The following is an entry in ClinVar:

NM_004055.5(CAPN5):c.654G>A (p.Met218Ile)

Gene: CAPN5 (calpain 5; plus strand). Cytogenetic location: 11q13.5.
Variant type: single nucleotide variant.
Coding change: c.654G>A on transcript NM_004055.5 (MANE Select); coding-DNA position 654, G replaced by A.
Protein change: p.Met218Ile; replaces methionine 218 with isoleucine.
Molecular consequence: missense variant. On other transcripts: non-coding transcript variant (1).
Genome position (GRCh38, 1-based): chr11:77,114,389, G>A. VCF-style: chr11-77114389-G-A. GRCh37 (hg19) VCF-style: chr11-76825435-G-A.
Other names: c.774G>A, p.Met258Ile (NM_001425321.1); c.654G>A, p.Met218Ile (NM_001425322.1); c.522G>A, p.Met174Ile (NM_001425323.1); short protein forms M174I, M218I, M258I.
Identifiers: ClinVar variation 4765115 (VCV004765115.1).

ClinVar aggregate classification (germline): Uncertain significance (1 of 4 stars; one submission).

Submission:

Labcorp Genetics (formerly Invitae), Labcorp
Classification: Uncertain significance. Last evaluated: 2025-05-02. Review status: criteria provided, single submitter. Criteria: Invitae Variant Classification Sherloc (09022015). Collection method: clinical testing. Allele origin: germline.
Comment: This sequence change replaces methionine, which is neutral and non-polar, with isoleucine, which is neutral and non-polar, at codon 218 of the CAPN5 protein (p.Met218Ile). This variant is not present in population databases (gnomAD no frequency). This variant has not been reported in the literature in individuals affected with CAPN5-related conditions. Invitae Evidence Modeling of protein sequence and biophysical properties (such as structural, functional, and spatial information, amino acid conservation, physicochemical variation, residue mobility, and thermodynamic stability) indicates that this missense variant is not expected to disrupt CAPN5 protein function with a negative predictive value of 80%. In summary, the available evidence is currently insufficient to determine the role of this variant in disease. Therefore, it has been classified as a Variant of Uncertain Significance.